The following is an entry in ClinVar:

ClinVar aggregate classification (germline): Benign. Review status: criteria provided, multiple submitters, no conflicts (2 of 4 stars). 16 submissions from 13 submitters: Benign (12). 4 of the submissions do not count toward it. Last evaluated 2026-02-04.

Conditions:
ALS2-related disorder. Also called: ALS2-Related Spectrum Disorders; ALS2-related disorders; ALS2-related condition. Identifiers: MedGen CN169291.
Infantile-onset ascending hereditary spastic paralysis (IAHSP). Also called: Autosomal Recessive Juvenile Amyotrophic Lateral Sclerosis; Infantile-Onset Ascending Hereditary Spastic Paralysis (IAHSP). Identifiers: Orphanet 293168, MedGen C2931441, MONDO:0011797, OMIM 607225. Disease mechanism: loss of function.
Amyotrophic lateral sclerosis type 2, juvenile. Also called: ALS, JUVENILE; Amyotrophic lateral sclerosis type 2. Identifiers: Orphanet 300605, MedGen C1859807, MONDO:0008780, OMIM 205100.
Juvenile primary lateral sclerosis (PLSJ). Also called: Juvenile Primary Lateral Sclerosis (JPLS). Identifiers: Orphanet 247604, MedGen C1853396, MONDO:0011663, OMIM 606353.

Allele frequency attached by ClinVar (database versions not stated): ESP Exome Variant Server 0.15430; gnomAD exomes 0.15545 and 0.19379; gnomAD 0.16113 and 0.16991; TOPMed 0.16294; ExAC 0.19899; 1000 Genomes Project 30x 0.25250; 1000 Genomes Project 0.26218.
gnomAD v4.1: 253,676 of 1,610,464 alleles (16%); highest among the groups gnomAD compares: East Asian, 41%; 23,992 homozygotes.

Submissions (16):

Labcorp Genetics (formerly Invitae), Labcorp
Classification: Benign for Infantile-onset ascending hereditary spastic paralysis. Last evaluated: 2026-02-04. Review status: criteria provided, single submitter. Criteria: Invitae Variant Classification Sherloc (09022015). Collection method: clinical testing. Allele origin: germline.

Blueprint Genetics
Classification: Benign. Last evaluated: 2024-11-26. Review status: criteria provided, single submitter. Criteria: ACMG Guidelines, 2015. Collection method: clinical testing. Allele origin: germline.

Genome-Nilou Lab
Classification: Benign for Amyotrophic lateral sclerosis type 2, juvenile. Last evaluated: 2021-07-14. Review status: criteria provided, single submitter. Criteria: ACMG Guidelines, 2015. Collection method: clinical testing. Allele origin: germline. Affected: no.

Genome-Nilou Lab
Classification: Benign for Juvenile primary lateral sclerosis. Last evaluated: 2021-07-14. Review status: criteria provided, single submitter. Criteria: ACMG Guidelines, 2015. Collection method: clinical testing. Allele origin: germline. Affected: no.

Genome-Nilou Lab
Classification: Benign for Infantile-onset ascending hereditary spastic paralysis. Last evaluated: 2021-07-14. Review status: criteria provided, single submitter. Criteria: ACMG Guidelines, 2015. Collection method: clinical testing. Allele origin: germline. Affected: no.

Athena Diagnostics
Classification: Benign. Last evaluated: 2019-09-20. Review status: criteria provided, single submitter. Criteria: Athena Diagnostics Criteria. Collection method: clinical testing. Allele origin: unknown.

GeneDx
Classification: Benign. Last evaluated: 2018-07-06. Review status: criteria provided, single submitter. Criteria: GeneDx Variant Classification Process June 2021. Collection method: clinical testing. Allele origin: germline. Affected: yes.

Illumina Laboratory Services, Illumina
Classification: Benign for ALS2-Related Disorders. Last evaluated: 2018-01-12. Review status: criteria provided, single submitter. Criteria: ICSL Variant Classification Criteria 13 December 2019. Collection method: clinical testing. Allele origin: germline.
Comment: This variant was observed in the ICSL laboratory as part of a predisposition screen in an ostensibly healthy population. It had not been previously curated by ICSL or reported in the Human Gene Mutation Database (HGMD: prior to June 1st, 2018), and was therefore a candidate for classification through an automated scoring system. Utilizing variant allele frequency, disease prevalence and penetrance estimates, and inheritance mode, an automated score was calculated to assess if this variant is too frequent to cause the disease. Based on the score and internal cut-off values, a variant classified as benign is not then subjected to further curation. The score for this variant resulted in a classification of benign for this disease.

Illumina Laboratory Services, Illumina
Classification: Benign for Amyotrophic lateral sclerosis type 2. Last evaluated: 2018-01-12. Review status: criteria provided, single submitter. Criteria: ICSL Variant Classification Criteria 13 December 2019. Collection method: clinical testing. Allele origin: germline.
Comment: the same text as in the submission from Illumina Laboratory Services, Illumina above.

Mayo Clinic Laboratories, Mayo Clinic
Classification: Benign. Last evaluated: 2017-12-21. Review status: criteria provided, single submitter. Criteria: ACMG Guidelines, 2015. Collection method: clinical testing. Allele origin: germline. Observed: 368 variant alleles.

Breakthrough Genomics
Classification: Benign. Review status: criteria provided, single submitter. Criteria: ACMG Guidelines, 2015. Collection method: not provided. Allele origin: germline. Inheritance: Autosomal recessive inheritance. Affected: yes.

PreventionGenetics, part of Exact Sciences
Classification: Benign. Review status: criteria provided, single submitter. Criteria: ACMG Guidelines, 2015. Collection method: clinical testing. Allele origin: germline.

Clinical Genetics DNA and cytogenetics Diagnostics Lab, Erasmus MC, Erasmus Medical Center
Classification: Benign. Review status: no assertion criteria provided. Collection method: clinical testing. Allele origin: germline. Affected: yes. Study: VKGL Data-share Consensus. Not counted in ClinVar's aggregate classification.

Clinical Genetics, Academic Medical Center
Classification: Benign. Review status: no assertion criteria provided. Collection method: clinical testing. Allele origin: germline. Affected: yes. Study: VKGL Data-share Consensus. Not counted in ClinVar's aggregate classification.

Genome Diagnostics Laboratory, Amsterdam University Medical Center
Classification: Benign. Review status: no assertion criteria provided. Collection method: clinical testing. Allele origin: germline. Affected: yes. Study: VKGL Data-share Consensus. Not counted in ClinVar's aggregate classification.

Joint Genome Diagnostic Labs from Nijmegen and Maastricht, Radboudumc and MUMC+
Classification: Benign. Review status: no assertion criteria provided. Collection method: clinical testing. Allele origin: germline. Affected: yes. Study: VKGL Data-share Consensus. Not counted in ClinVar's aggregate classification.

NM_020919.4(ALS2):c.20+7T>C

Gene: ALS2 (alsin Rho guanine nucleotide exchange factor ALS2; minus strand). Cytogenetic location: 2q33.1.
Variant type: single nucleotide variant.
Coding change: c.20+7T>C on transcript NM_020919.4 (MANE Select); 7 bases into the intron after coding-DNA position 20, T replaced by C.
Molecular consequence: intron variant.
Genome position (GRCh38, 1-based): chr2:201,768,859, A>G on the plus strand (T>C on the coding strand, the complement: ALS2 is on the minus strand). VCF-style: chr2-201768859-A-G. GRCh37 (hg19) VCF-style: chr2-202633582-A-G.
Other names: p.?; c.20+7T>C (NM_001135745.2).
Identifiers: ClinVar variation 261367 (VCV000261367.29), dbSNP rs3219153, ClinGen allele CA2058752.